The following is an entry in ClinVar:

ClinVar aggregate classification (germline): Likely pathogenic. Review status: criteria provided, multiple submitters, no conflicts (2 of 4 stars). 2 submissions from 2 submitters: Likely pathogenic (2). Last evaluated 2023-02-26.

Conditions:
Pulmonary fibrosis and/or bone marrow failure, Telomere-related, 3. Also called: PULMONARY FIBROSIS AND/OR BONE MARROW FAILURE SYNDROME, TELOMERE-RELATED, 3. Identifiers: Orphanet 2032, MedGen C4225346, MONDO:0014613, OMIM 616373.
Dyskeratosis congenita, autosomal recessive 5 (DKCB5). Identifiers: MedGen C3554656, MONDO:0014076, OMIM 615190.
Dyskeratosis congenita. Identifiers: Orphanet 1775, MedGen C0265965, MONDO:0015780.

Submissions (2):

Labcorp Genetics (formerly Invitae), Labcorp
Classification: Likely pathogenic for Dyskeratosis congenita, autosomal recessive 5; Pulmonary fibrosis and/or bone marrow failure, Telomere-related, 3. Last evaluated: 2023-02-26. Review status: criteria provided, single submitter. Criteria: Invitae Variant Classification Sherloc (09022015). Collection method: clinical testing. Allele origin: germline.
Comment: In summary, the currently available evidence indicates that the variant is pathogenic, but additional data are needed to prove that conclusively. Therefore, this variant has been classified as Likely Pathogenic. Algorithms developed to predict the effect of sequence changes on RNA splicing suggest that this variant may disrupt the consensus splice site. ClinVar contains an entry for this variant (Variation ID: 1683384). This variant has not been reported in the literature in individuals affected with RTEL1-related conditions. This variant is not present in population databases (gnomAD no frequency). This sequence change affects a donor splice site in intron 29 of the RTEL1 gene. It is expected to disrupt RNA splicing. Variants that disrupt the donor or acceptor splice site typically lead to a loss of protein function (PMID: 16199547), and loss-of-function variants in RTEL1 are known to be pathogenic (PMID: 23453664, 23959892, 25607374).

Women's Health and Genetics/Laboratory Corporation of America, LabCorp
Classification: Likely pathogenic for Dyskeratosis congenita. Last evaluated: 2022-04-17. Review status: criteria provided, single submitter. Criteria: LabCorp Variant Classification Summary - May 2015. Collection method: clinical testing. Allele origin: germline.
Comment: Variant summary: RTEL1 c.2923+1G>A (NM_001283009.2(RTEL1):c.2851+1G>A) alters a conserved nucleotide located in a canonical splice-site and is predicted to affect mRNA splicing resulting in a significantly altered protein due to either exon skipping, shortening, or inclusion of intronic material. Several computational tools predict a significant impact on normal splicing: Two predict the variant abolishes the canonical 5' splicing donor site. However, these predictions have yet to be confirmed by functional studies. The variant was absent in 249044 control chromosomes. To our knowledge, no occurrence of c.2923+1G>A in individuals affected with Dyskeratosis Congenita (Hoyeraal Hreidarsson Syndrome) and no experimental evidence demonstrating its impact on protein function have been reported. No clinical diagnostic laboratories have submitted clinical-significance assessments for this variant to ClinVar after 2014. Based on the evidence outlined above, the variant was classified as likely pathogenic.

Literature cited by the submitters: PubMed 16199547 (cited by Labcorp Genetics (formerly Invitae), Labcorp); PubMed 23453664 (cited by Labcorp Genetics (formerly Invitae), Labcorp); PubMed 23959892 (cited by Labcorp Genetics (formerly Invitae), Labcorp); PubMed 25607374 (cited by Labcorp Genetics (formerly Invitae), Labcorp).

NM_001283009.2(RTEL1):c.2851+1G>A

Genes: RTEL1-TNFRSF6B (RTEL1-TNFRSF6B readthrough (NMD candidate); plus strand), RTEL1 (regulator of telomere elongation helicase 1; plus strand). Cytogenetic location: 20q13.33.
Variant type: single nucleotide variant.
Coding change: c.2851+1G>A on transcript NM_001283009.2 (MANE Select); the canonical splice donor site of the intron after coding-DNA position 2851, G replaced by A.
Molecular consequence: splice donor variant.
Genome position (GRCh38, 1-based): chr20:63,693,004, G>A. VCF-style: chr20-63693004-G-A. GRCh37 (hg19) VCF-style: chr20-62324357-G-A.
Other names: c.2182+1G>A (NM_001283010.1); c.2923+1G>A (NM_032957.5); c.2851+1G>A (NM_016434.4).
Identifiers: ClinVar variation 1683384 (VCV001683384.4), dbSNP rs1421904176, ClinGen allele CA409683156.